The following is an entry in ClinVar:

ClinVar aggregate classification (germline): Benign (1 of 4 stars; one submission).

Conditions:
Atypical hemolytic-uremic syndrome. Identifiers: Orphanet 2134, MedGen C2931788, MONDO:0016244.
Basal laminar drusen. Also called: DRUSEN OF BRUCH MEMBRANE; DRUSEN, CUTICULAR; DRUSEN, EARLY ADULT-ONSET, GROUPED. Identifiers: Orphanet 75376, MedGen C0730295, MONDO:0007472, OMIM 126700.
Factor H deficiency (CFHD). Also called: COMPLEMENT FACTOR H DEFICIENCY; CFH DEFICIENCY. Identifiers: Orphanet 200421, MedGen C0398777, MONDO:0012350, OMIM 609814.
Age related macular degeneration 4. Identifiers: MedGen C1853147, MONDO:0012540, OMIM 610698.

gnomAD v4.1: 35,267 of 151,982 alleles (23%); highest among the groups gnomAD compares: African/African-American, 35%; 4,775 homozygotes.

Submission:

Genomenon, Inc
Classification: Benign for Basal laminar drusen; Age related macular degeneration 4; Atypical hemolytic-uremic syndrome; Factor H deficiency. Last evaluated: 2025-10-02. Review status: criteria provided, single submitter. Criteria: Genomenon Sequence Variant Interpretation Standards - Updated. Collection method: curation. Allele origin: germline. Affected: no.
Comment: CFH c.1696+2019G>A is a deep intronic variant located in intron 11. This variant is present at high allele frequency in population databases. In conclusion, we classify CFH c.1696+2019G>A as a benign variant.

NM_000186.4(CFH):c.1696+2019G>A

Gene: CFH (complement factor H; plus strand). Cytogenetic location: 1q31.3.
Variant type: single nucleotide variant.
Coding change: c.1696+2019G>A on transcript NM_000186.4 (MANE Select); 2019 bases into the intron after coding-DNA position 1696, G replaced by A.
Molecular consequence: intron variant.
Genome position (GRCh38, 1-based): chr1:196,717,788, G>A. VCF-style: chr1-196717788-G-A. GRCh37 (hg19) VCF-style: chr1-196686918-G-A.
Identifiers: ClinVar variation 4291412 (VCV004291412.1).